The following is an entry in ClinVar:

NM_001356.5(DDX3X):c.397dup (p.Glu133fs)

Gene: DDX3X (DEAD-box helicase 3 X-linked; plus strand). Cytogenetic location: Xp11.4.
Variant type: Duplication.
Coding change: c.397dup on transcript NM_001356.5 (MANE Select); coding-DNA position 397, one base duplicated (G; older notation c.397dupG).
Protein change: p.Glu133fs; shifts the reading frame from glutamic acid 133.
Molecular consequence: frameshift variant. On other transcripts: 5 prime UTR variant (1), non-coding transcript variant (1).
Genome position (GRCh38, 1-based): chrX:41,342,607, G duplicated. VCF-style (leftmost placement, unchanged base first): chrX-41342606-T-TG. GRCh37 (hg19) VCF-style: chrX-41201859-T-TG.
Other names: c.397dup, p.Glu133fs (NM_001193416.3); c.349dup, p.Glu117fs (NM_001193417.3); c.-162dup (NM_001363819.1); short protein forms E133fs, E117fs.
Identifiers: ClinVar variation 646639 (VCV000646639.6), dbSNP rs1602129242, ClinGen allele CA915950993.

ClinVar aggregate classification (germline): Pathogenic (1 of 4 stars; one submission).

Submission:

Labcorp Genetics (formerly Invitae), Labcorp
Classification: Pathogenic. Last evaluated: 2018-12-12. Review status: criteria provided, single submitter. Criteria: Invitae Variant Classification Sherloc (09022015). Collection method: clinical testing. Allele origin: germline.
Comment: For these reasons, this variant has been classified as Pathogenic. Loss-of-function variants in DDX3X are known to be pathogenic (PMID: 26235985). This variant has not been reported in the literature in individuals with DDX3X-related conditions. This variant is not present in population databases (ExAC no frequency). This sequence change creates a premature translational stop signal (p.Glu133Glyfs*3) in the DDX3X gene. It is expected to result in an absent or disrupted protein product.

Literature cited by the submitters: PubMed 26235985.